The following is an entry in ClinVar:

ClinVar aggregate classification (germline): Benign/Likely benign. Review status: criteria provided, multiple submitters, no conflicts (2 of 4 stars). 9 submissions from 9 submitters: Benign (3); Likely benign (5). 1 of the submissions does not count toward it. Last evaluated 2026-09-01.

Conditions:
BAP1-related disorder. Also called: BAP1-related condition.
Hereditary cancer-predisposing syndrome. Also called: Hereditary neoplastic syndrome; Tumor predisposition; Neoplastic Syndromes, Hereditary; Hereditary Cancer Syndrome. Identifiers: Orphanet 140162, MedGen C0027672, MeSH D009386, MONDO:0015356.
BAP1-related tumor predisposition syndrome (TPDS1). Also called: TUMOR PREDISPOSITION SYNDROME 1; Tumor susceptibility linked to germline BAP1 mutations; BAP1 tumor predisposition syndrome; COMMON Syndrome. Identifiers: Orphanet 289539, MedGen C3280492, MONDO:0013692, OMIM 614327.

Allele frequency attached by ClinVar (database versions not stated): gnomAD 0.00007 and 0.00008; gnomAD exomes 0.00009 and 0.00049; TOPMed 0.00027; ExAC 0.00045.

Submissions (9):

CeGaT Center for Human Genetics Tuebingen
Classification: Likely benign. Last evaluated: 2026-09-01. Review status: criteria provided, single submitter. Criteria: CeGaT Center For Human Genetics Tuebingen Variant Classification Criteria Version 2. Collection method: clinical testing. Allele origin: germline. Affected: yes. Observed: 4 variant alleles.
Comment: BAP1: BP4, BS1

Labcorp Genetics (formerly Invitae), Labcorp
Classification: Benign for BAP1-related tumor predisposition syndrome. Last evaluated: 2026-01-16. Review status: criteria provided, single submitter. Criteria: Invitae Variant Classification Sherloc (09022015). Collection method: clinical testing. Allele origin: germline.

Quest Diagnostics Nichols Institute San Juan Capistrano
Classification: Likely benign. Last evaluated: 2024-12-20. Review status: criteria provided, single submitter. Criteria: Quest Diagnostics criteria. Collection method: clinical testing. Allele origin: unknown.

Color Diagnostics, LLC DBA Color Health
Classification: Benign for Hereditary cancer-predisposing syndrome. Last evaluated: 2024-09-19. Review status: criteria provided, single submitter. Criteria: ACMG Guidelines, 2015. Collection method: clinical testing. Allele origin: germline.

Myriad Genetics, Inc.
Classification: Likely benign for BAP1-related tumor predisposition syndrome. Last evaluated: 2023-04-03. Review status: criteria provided, single submitter. Criteria: Myriad Autosomal Dominant, Autosomal Recessive and X-Linked Classification Criteria (2023). Collection method: clinical testing. Allele origin: unknown.
Comment: This variant is considered likely benign. Homozygosity has been confirmed in one or more individuals. As homozygosity for pathogenic variants in this gene is generally assumed to result in embryonic lethality, this variant is unlikely to be pathogenic.

Sema4
Classification: Benign for Hereditary cancer-predisposing syndrome. Last evaluated: 2021-03-19. Review status: criteria provided, single submitter. Criteria: Sema4 Curation Guidelines. Collection method: curation. Allele origin: germline.

Ambry Genetics
Classification: Likely benign for Hereditary cancer-predisposing syndrome. Last evaluated: 2018-12-31. Review status: criteria provided, single submitter. Criteria: Ambry Variant Classification Scheme 2023. Collection method: clinical testing. Allele origin: germline.

GeneDx
Classification: Likely benign. Last evaluated: 2018-06-06. Review status: criteria provided, single submitter. Criteria: GeneDx Variant Classification (06012015). Collection method: clinical testing. Allele origin: germline. Affected: yes.
Comment: This variant is considered likely benign or benign based on one or more of the following criteria: it is a conservative change, it occurs at a poorly conserved position in the protein, it is predicted to be benign by multiple in silico algorithms, and/or has population frequency not consistent with disease.

PreventionGenetics, part of Exact Sciences
Classification: Likely benign for BAP1-related condition. Last evaluated: 2020-12-08. Review status: no assertion criteria provided. Collection method: clinical testing. Allele origin: germline. Not counted in ClinVar's aggregate classification.
Comment: This variant is classified as likely benign based on ACMG/AMP sequence variant interpretation guidelines (Richards et al. 2015 PMID: 25741868, with internal and published modifications).

Literature cited by the submitters: PubMed 23709298 (cited by Quest Diagnostics Nichols Institute San Juan Capistrano and Ambry Genetics).

NM_004656.4(BAP1):c.869A>G (p.Asn290Ser)

Gene: BAP1 (BRCA1 associated deubiquitinase 1; minus strand). Cytogenetic location: 3p21.1.
Variant type: single nucleotide variant.
Coding change: c.869A>G on transcript NM_004656.4 (MANE Select); coding-DNA position 869, A replaced by G.
Protein change: p.Asn290Ser; replaces asparagine 290 with serine.
Molecular consequence: missense variant.
Genome position (GRCh38, 1-based): chr3:52,405,827, T>C on the plus strand (A>G on the coding strand, the complement: BAP1 is on the minus strand). VCF-style: chr3-52405827-T-C. GRCh37 (hg19) VCF-style: chr3-52439843-T-C.
Other names: c.869A>G (LRG_529t1); short protein forms N290S.
Identifiers: ClinVar variation 472716 (VCV000472716.28), dbSNP rs747079481, ClinGen allele CA2436980.